The following is an entry in ClinVar:

ClinVar aggregate classification (germline): Uncertain significance. Review status: criteria provided, multiple submitters, no conflicts (2 of 4 stars). 2 submissions from 2 submitters: Uncertain significance (2). Last evaluated 2025-06-09.

Conditions:
Gastrointestinal stromal tumor. Also called: Gastrointestinal stromal tumor, somatic; Gastrointestinal stroma tumor. Identifiers: Orphanet 44890, MedGen C0238198, MeSH D046152, MONDO:0011719, OMIM 606764, HP:0100723.
Hereditary cancer-predisposing syndrome. Also called: Neoplastic Syndromes, Hereditary; Hereditary Cancer Syndrome; Hereditary neoplastic syndrome; Tumor predisposition. Identifiers: Orphanet 140162, MedGen C0027672, MeSH D009386, MONDO:0015356.

Allele frequency attached by ClinVar (database versions not stated): TOPMed below 0.00001.
gnomAD v4.1: 1 of 1,612,274 alleles (0.000062%); no homozygotes.

Submissions (2):

Labcorp Genetics (formerly Invitae), Labcorp
Classification: Uncertain significance for Gastrointestinal stromal tumor. Last evaluated: 2025-06-09. Review status: criteria provided, single submitter. Criteria: Invitae Variant Classification Sherloc (09022015). Collection method: clinical testing. Allele origin: germline.
Comment: This sequence change replaces leucine, which is neutral and non-polar, with isoleucine, which is neutral and non-polar, at codon 216 of the PDGFRA protein (p.Leu216Ile). This variant is present in population databases (no rsID available, gnomAD 0.006%). This variant has not been reported in the literature in individuals affected with PDGFRA-related conditions. ClinVar contains an entry for this variant (Variation ID: 967382). Invitae Evidence Modeling of protein sequence and biophysical properties (such as structural, functional, and spatial information, amino acid conservation, physicochemical variation, residue mobility, and thermodynamic stability) indicates that this missense variant is not expected to disrupt PDGFRA protein function with a negative predictive value of 80%. In summary, the available evidence is currently insufficient to determine the role of this variant in disease. Therefore, it has been classified as a Variant of Uncertain Significance.

Ambry Genetics
Classification: Uncertain significance for Hereditary cancer-predisposing syndrome. Last evaluated: 2024-05-11. Review status: criteria provided, single submitter. Criteria: Ambry Variant Classification Scheme 2023. Collection method: clinical testing. Allele origin: germline.
Comment: The p.L216I variant (also known as c.646C>A), located in coding exon 4 of the PDGFRA gene, results from a C to A substitution at nucleotide position 646. The leucine at codon 216 is replaced by isoleucine, an amino acid with highly similar properties. This amino acid position is not well conserved in available vertebrate species. In addition, this alteration is predicted to be tolerated by in silico analysis. Since supporting evidence is limited at this time, the clinical significance of this alteration remains unclear.

Literature cited by the submitters: PubMed 31173267 (cited by Ambry Genetics).

NM_006206.6(PDGFRA):c.646C>A (p.Leu216Ile)

Gene: PDGFRA (platelet derived growth factor receptor alpha; plus strand). Cytogenetic location: 4q12.
Variant type: single nucleotide variant.
Coding change: c.646C>A on transcript NM_006206.6 (MANE Select); coding-DNA position 646, C replaced by A.
Protein change: p.Leu216Ile; replaces leucine 216 with isoleucine.
Molecular consequence: missense variant.
Genome position (GRCh38, 1-based): chr4:54,264,936, C>A. VCF-style: chr4-54264936-C-A. GRCh37 (hg19) VCF-style: chr4-55131103-C-A.
Other names: c.646C>A, p.Leu216Ile (NM_001347827.2, NM_001347829.2); c.721C>A, p.Leu241Ile (NM_001347828.2); c.685C>A, p.Leu229Ile (NM_001347830.2); short protein forms L229I, L241I, L216I.
Identifiers: ClinVar variation 967382 (VCV000967382.12), dbSNP rs766847405, ClinGen allele CA356890726.